The following is an entry in ClinVar:

ClinVar aggregate classification (germline): Uncertain significance (1 of 4 stars; one submission).

Allele frequency attached by ClinVar (database versions not stated): gnomAD 0.00001; 1000 Genomes Project 30x 0.00016; 1000 Genomes Project 0.00020.
gnomAD v4.1: 3 of 1,613,094 alleles (0.00019%); highest among the groups gnomAD compares: South Asian, 0.0022%; no homozygotes.

Submission:

Labcorp Genetics (formerly Invitae), Labcorp
Classification: Uncertain significance. Last evaluated: 2024-05-15. Review status: criteria provided, single submitter. Criteria: Invitae Variant Classification Sherloc (09022015). Collection method: clinical testing. Allele origin: germline.
Comment: This sequence change replaces leucine, which is neutral and non-polar, with proline, which is neutral and non-polar, at codon 286 of the MTFMT protein (p.Leu286Pro). This variant is present in population databases (rs575133242, gnomAD 0.007%). This variant has not been reported in the literature in individuals affected with MTFMT-related conditions. ClinVar contains an entry for this variant (Variation ID: 2132641). Advanced modeling of protein sequence and biophysical properties (such as structural, functional, and spatial information, amino acid conservation, physicochemical variation, residue mobility, and thermodynamic stability) has been performed at Invitae for this missense variant, however the output from this modeling did not meet the statistical confidence thresholds required to predict the impact of this variant on MTFMT protein function. In summary, the available evidence is currently insufficient to determine the role of this variant in disease. Therefore, it has been classified as a Variant of Uncertain Significance.

NM_139242.4(MTFMT):c.857T>C (p.Leu286Pro)

Gene: MTFMT (mitochondrial methionyl-tRNA formyltransferase; minus strand). Cytogenetic location: 15q22.31.
Variant type: single nucleotide variant.
Coding change: c.857T>C on transcript NM_139242.4 (MANE Select); coding-DNA position 857, T replaced by C.
Protein change: p.Leu286Pro; replaces leucine 286 with proline.
Molecular consequence: missense variant.
Genome position (GRCh38, 1-based): chr15:65,006,148, A>G on the plus strand (T>C on the coding strand, the complement: MTFMT is on the minus strand). VCF-style: chr15-65006148-A-G. GRCh37 (hg19) VCF-style: chr15-65298486-A-G.
Other names: short protein forms L286P.
Identifiers: ClinVar variation 2132641 (VCV002132641.4), dbSNP rs575133242, ClinGen allele CA7613223.